The following is an entry in ClinVar:

NM_000020.3(ACVRL1):c.475G>T (p.Glu159Ter)

Gene: ACVRL1 (activin A receptor like type 1; plus strand). Cytogenetic location: 12q13.13.
Variant type: single nucleotide variant.
Coding change: c.475G>T on transcript NM_000020.3 (MANE Select); coding-DNA position 475, G replaced by T.
Protein change: p.Glu159Ter; replaces glutamic acid 159 with a stop codon.
Molecular consequence: nonsense.
Genome position (GRCh38, 1-based): chr12:51,913,720, G>T. VCF-style: chr12-51913720-G-T. GRCh37 (hg19) VCF-style: chr12-52307504-G-T.
Other names: c.475G>T, p.Glu159Ter (NM_001077401.2); short protein forms E159*.
Identifiers: ClinVar variation 982486 (VCV000982486.8), dbSNP rs1940756257, ClinGen allele CA384899064.
Genomic context (GRCh38, chr12:51,913,720, plus strand): 5'-GGCCTGTGGCATGTCCGACGGAGGCAGGAGAAGCAGCGTGGCCTGCACAGCGAGCTGGGA[G>T]AGTCCAGTCTCATCCTGAAAGCATCTGAGCAGGGCGACAGCATGTTGGGGGTATGGGCCT-3'

ClinVar aggregate classification (germline): Pathogenic. Review status: criteria provided, multiple submitters, no conflicts (2 of 4 stars). 4 submissions from 4 submitters: Pathogenic (4). Last evaluated 2023-03-30.

Conditions:
Telangiectasia, hereditary hemorrhagic, type 2 (HHT2). Also called: Telangiectasia, hereditary hemorrhagic, type II; ACVRL1-Related Hereditary Hemorrhagic Telangiectasia. Identifiers: Orphanet 774, MedGen C1838163, MONDO:0010880, OMIM 600376. Disease mechanism: loss of function.

gnomAD v4.1: 2 of 1,612,232 alleles (0.00012%); highest among the groups gnomAD compares: Non-Finnish European, 0.00017%; no homozygotes.

Submissions (4):

Molecular Genetics, Royal Melbourne Hospital
Classification: Pathogenic for Telangiectasia, hereditary hemorrhagic, type 2. Last evaluated: 2023-03-30. Review status: criteria provided, single submitter. Criteria: ACMG Guidelines, 2015. Collection method: clinical testing. Allele origin: germline. Affected: yes.
Comment: This sequence change creates a premature termination codon at position 159 in exon 4 of 10 exons of ACVRL1, p.(Glu159*). This change is predicted to result in an absent product through nonsense-mediated decay. Loss-of-function is an established mechanism of disease. The variant is absent in a large population cohort (gnomAD v2.1). It has been reported in two individuals with a phenotype consistent with hereditary haemorrhagic telangiectasia, fulfilling Curacao criteria (PMID: 9245985; Royal Melbourne Hospital). Based on the classification scheme RMH ACMG Guidelines v1.2.1, this variant is classified as PATHOGENIC. Following criteria are met: PVS1, PS4_Moderate, PM2.

Labcorp Genetics (formerly Invitae), Labcorp
Classification: Pathogenic for Telangiectasia, hereditary hemorrhagic, type 2. Last evaluated: 2022-03-11. Review status: criteria provided, single submitter. Criteria: Invitae Variant Classification Sherloc (09022015). Collection method: clinical testing. Allele origin: germline.
Comment: For these reasons, this variant has been classified as Pathogenic. ClinVar contains an entry for this variant (Variation ID: 982486). This variant is also known as G>T (475). This premature translational stop signal has been observed in individual(s) with hereditary hemorrhagic telangiectasia (PMID: 9245985, 32300199). This variant is not present in population databases (gnomAD no frequency). This sequence change creates a premature translational stop signal (p.Glu159*) in the ACVRL1 gene. It is expected to result in an absent or disrupted protein product. Loss-of-function variants in ACVRL1 are known to be pathogenic (PMID: 15879500).

Victorian Clinical Genetics Services, Murdoch Childrens Research Institute
Classification: Pathogenic for Telangiectasia, hereditary hemorrhagic, type 2. Last evaluated: 2021-05-06. Review status: criteria provided, single submitter. Criteria: ACMG Guidelines, 2015. Collection method: clinical testing. Allele origin: germline. Inheritance: Autosomal dominant inheritance.
Comment: Based on the classification scheme VCGS_Germline_v1.3.4, this variant is classified as Pathogenic. Following criteria are met: 0103 - Dominant negative and loss of function are known mechanisms of disease in this gene and are associated with hereditary haemorrhagic telangiectasia type 2 (MIM#600376) (PMID: 16282348, PMID: 26176610). (I) 0115 - Variants in this gene are known to have variable expressivity. Clinical expression is extremely variable and age-dependent (PMID: 19767588). (I) 0107 - This gene is associated with autosomal dominant disease. (I) 0201 - Variant is predicted to cause nonsense-mediated decay (NMD) and loss of protein (premature termination codon is located at least 54 nucleotides upstream of the final exon-exon junction). (SP) 0251 - This variant is heterozygous. (I) 0301 - Variant is absent from gnomAD (both v2 and v3). (SP) 0701 - Other NMD-predicted variants comparable to the one identified in this case have very strong previous evidence for pathogenicity. These variants have been reported many times as pathogenic, and have been observed in multiple individuals with hereditary hemorrhagic telangiectasia (HHT) (DECIPHER, PMID: 32573726). (SP) 0802 - This variant has moderate previous evidence of pathogenicity in unrelated individuals. This variant has been reported as pathogenic in a research setting (ClinVar), and has been observed in at least three individuals with HHT (PMID: 32573726, PMID: 9245985). (SP) 1208 - Inheritance information for this variant is not currently available in this individual. (I) Legend: (SP) - Supporting pathogenic, (I) - Information, (SB) - Supporting benign

NIHR Bioresource Rare Diseases, University of Cambridge
Classification: Pathogenic for Telangiectasia, hereditary hemorrhagic, type 2. Last evaluated: 2018-01-01. Review status: criteria provided, single submitter. Criteria: ACMG Guidelines, 2015. Collection method: research. Allele origin: unknown. Affected: yes. Observed: 2 variant alleles.
Comment: PVS1+PM2+PP4

Literature cited by the submitters: PubMed 9245985 (cited by 3 submitters); PubMed 32300199 (cited by Labcorp Genetics (formerly Invitae), Labcorp); PubMed 15879500 (cited by Labcorp Genetics (formerly Invitae), Labcorp); PubMed 16282348 (cited by Victorian Clinical Genetics Services, Murdoch Childrens Research Institute); PubMed 19767588 (cited by Victorian Clinical Genetics Services, Murdoch Childrens Research Institute); PubMed 26176610 (cited by Victorian Clinical Genetics Services, Murdoch Childrens Research Institute); PubMed 32573726 (cited by Victorian Clinical Genetics Services, Murdoch Childrens Research Institute and NIHR Bioresource Rare Diseases, University of Cambridge).